The following is an entry in ClinVar:

ClinVar aggregate classification (germline): Uncertain significance. Review status: criteria provided, multiple submitters, no conflicts (2 of 4 stars). 3 submissions from 3 submitters: Uncertain significance (3). Last evaluated 2025-11-01.

Allele frequency attached by ClinVar (database versions not stated): gnomAD 0.00003; TOPMed 0.00003.
gnomAD v4.1: 96 of 1,613,764 alleles (0.0059%); highest among the groups gnomAD compares: Non-Finnish European, 0.0079%; no homozygotes.

Submissions (3):

Labcorp Genetics (formerly Invitae), Labcorp
Classification: Uncertain significance. Last evaluated: 2025-11-01. Review status: criteria provided, single submitter. Criteria: Invitae Variant Classification Sherloc (09022015). Collection method: clinical testing. Allele origin: germline.
Comment: This sequence change replaces isoleucine, which is neutral and non-polar, with asparagine, which is neutral and polar, at codon 1494 of the RIMS1 protein (p.Ile1494Asn). This variant is present in population databases (no rsID available, gnomAD 0.003%). This variant has not been reported in the literature in individuals affected with RIMS1-related conditions. ClinVar contains an entry for this variant (Variation ID: 1914747). An algorithm developed to predict the effect of missense changes on protein structure and function (PolyPhen-2) suggests that this variant is likely to be tolerated. In summary, the available evidence is currently insufficient to determine the role of this variant in disease. Therefore, it has been classified as a Variant of Uncertain Significance.

Ambry Genetics
Classification: Uncertain significance. Last evaluated: 2024-08-20. Review status: criteria provided, single submitter. Criteria: Ambry Variant Classification Scheme 2023. Collection method: clinical testing. Allele origin: germline.

Blueprint Genetics
Classification: Uncertain significance. Last evaluated: 2024-04-04. Review status: criteria provided, single submitter. Criteria: ACMG Guidelines, 2015. Collection method: clinical testing. Allele origin: germline.

NM_014989.7(RIMS1):c.4481T>A (p.Ile1494Asn)

Gene: RIMS1 (regulating synaptic membrane exocytosis 1; plus strand). Cytogenetic location: 6q13.
Variant type: single nucleotide variant.
Coding change: c.4481T>A on transcript NM_014989.7 (MANE Select); coding-DNA position 4481, T replaced by A.
Protein change: p.Ile1494Asn; replaces isoleucine 1494 with asparagine.
Molecular consequence: missense variant.
Genome position (GRCh38, 1-based): chr6:72,390,712, T>A. VCF-style: chr6-72390712-T-A. GRCh37 (hg19) VCF-style: chr6-73100414-T-A.
Other names: c.2441T>A, p.Ile814Asn (NM_001168407.2); c.1856T>A, p.Ile619Asn (NM_001168408.2, NM_001350430.2); c.1685T>A, p.Ile562Asn (NM_001168409.2); c.1883T>A, p.Ile628Asn (NM_001168410.2); c.62T>A, p.Ile21Asn (NM_001168411.2); c.2402T>A, p.Ile801Asn (NM_001350414.2); c.2498T>A, p.Ile833Asn (NM_001350415.2); c.2447T>A, p.Ile816Asn (NM_001350416.2); and 55 more; short protein forms I21N, I562N, I591N, I592N, I595N, I603N, I618N, I670N.
Identifiers: ClinVar variation 1914747 (VCV001914747.7), dbSNP rs1015412242, ClinGen allele CA141426039.
Genomic context (GRCh38, chr6:72,390,712, plus strand): 5'-TGGCAGCTGAAATGAGAAAGATGGTAAGGCAGCCGAGCCGAGAGTCTACTGATGGCAGCA[T>A]CAACAGTTACAGCTCTGAGGGCAAGTAAGTGCTGTCAGCACGTCTGCATGGCTGTGGAAC-3'
Protein context (NP_055804.2, residues 1484-1504): QPSRESTDGS[Ile1494Asn]NSYSSEGNLI